The following is an entry in ClinVar:

NM_001364171.2(ODAD1):c.1646T>C (p.Leu549Pro)

Gene: ODAD1 (outer dynein arm docking complex subunit 1; minus strand). Cytogenetic location: 19q13.33.
Variant type: single nucleotide variant.
Coding change: c.1646T>C on transcript NM_001364171.2 (MANE Select); coding-DNA position 1646, T replaced by C.
Protein change: p.Leu549Pro; replaces leucine 549 with proline.
Molecular consequence: missense variant.
Genome position (GRCh38, 1-based): chr19:48,297,454, A>G on the plus strand (T>C on the coding strand, the complement: ODAD1 is on the minus strand). VCF-style: chr19-48297454-A-G. GRCh37 (hg19) VCF-style: chr19-48800711-A-G.
Other names: c.1535T>C, p.Leu512Pro (NM_144577.4); short protein forms L512P, L549P.
Identifiers: ClinVar variation 963828 (VCV000963828.2), dbSNP rs867113107, ClinGen allele CA309293653.

ClinVar aggregate classification (germline): Uncertain significance. Review status: criteria provided, multiple submitters, no conflicts (2 of 4 stars). 2 submissions from 2 submitters: Uncertain significance (2). Last evaluated 2025-08-21.

Conditions:
Primary ciliary dyskinesia. Also called: Ciliary dyskinesia. Identifiers: Orphanet 244, MedGen C0008780, MONDO:0016575, HP:0012265.

Allele frequency attached by ClinVar (database versions not stated): gnomAD 0.00002; TOPMed 0.00002.

Submissions (2):

Ambry Genetics
Classification: Uncertain significance for Primary ciliary dyskinesia. Last evaluated: 2025-08-21. Review status: criteria provided, single submitter. Criteria: Ambry Variant Classification Scheme 2023. Collection method: clinical testing. Allele origin: germline.

Labcorp Genetics (formerly Invitae), Labcorp
Classification: Uncertain significance for Primary ciliary dyskinesia. Last evaluated: 2019-09-07. Review status: criteria provided, single submitter. Criteria: Invitae Variant Classification Sherloc (09022015). Collection method: clinical testing. Allele origin: germline.
Comment: This sequence change replaces leucine with proline at codon 512 of the CCDC114 protein (p.Leu512Pro). The leucine residue is weakly conserved and there is a moderate physicochemical difference between leucine and proline. This variant is not present in population databases (ExAC no frequency). This variant has not been reported in the literature in individuals with CCDC114-related conditions. Algorithms developed to predict the effect of missense changes on protein structure and function are either unavailable or do not agree on the potential impact of this missense change (SIFT: "Deleterious"; PolyPhen-2: "Possibly Damaging"; Align-GVGD: "Class C0"). In summary, the available evidence is currently insufficient to determine the role of this variant in disease. Therefore, it has been classified as a Variant of Uncertain Significance.